The following is an entry in ClinVar:

ClinVar aggregate classification (germline): Uncertain significance. Review status: criteria provided, multiple submitters, no conflicts (2 of 4 stars). 8 submissions from 8 submitters: Uncertain significance (8). Last evaluated 2026-02-02.

Conditions:
Hereditary cancer-predisposing syndrome. Also called: Hereditary neoplastic syndrome; Neoplastic Syndromes, Hereditary; Tumor predisposition; Hereditary Cancer Syndrome. Identifiers: Orphanet 140162, MedGen C0027672, MeSH D009386, MONDO:0015356.
Fanconi anemia complementation group J. Also called: BRIP1-Related Fanconi Anemia. Identifiers: Orphanet 84, MedGen C1836860, MONDO:0012187, OMIM 609054.
Familial cancer of breast. Also called: BREAST CANCER, FAMILIAL; hereditary breast carcinoma; Hereditary breast cancer. Identifiers: Orphanet 227535, MedGen C0346153, MONDO:0016419, OMIM 114480. Disease mechanism: loss of function.
Hereditary breast ovarian cancer syndrome. Also called: Hereditary breast and/or ovarian cancer syndrome; BRCA1- and BRCA2-Associated Hereditary Breast and Ovarian Cancer; Hereditary breast and ovarian cancer; Breast and ovarian cancer; Hereditary breast and ovarian cancer syndrome; Hereditary breast and ovarian cancer syndrome (HBOC). Identifiers: Orphanet 145, MedGen C0677776, MeSH D061325, MONDO:0003582. Disease mechanism: loss of function.

Allele frequency attached by ClinVar (database versions not stated): gnomAD exomes below 0.00001; ExAC 0.00001.
gnomAD v4.1: 4 of 1,613,782 alleles (0.00025%); highest among the groups gnomAD compares: African/African-American, 0.0013%; no homozygotes.

Submissions (8):

Labcorp Genetics (formerly Invitae), Labcorp
Classification: Uncertain significance for Familial cancer of breast; Fanconi anemia complementation group J. Last evaluated: 2026-02-02. Review status: criteria provided, single submitter. Criteria: Invitae Variant Classification Sherloc (09022015). Collection method: clinical testing. Allele origin: germline.
Comment: This sequence change replaces threonine, which is neutral and polar, with alanine, which is neutral and non-polar, at codon 711 of the BRIP1 protein (p.Thr711Ala). This variant is not present in population databases (gnomAD no frequency). This missense change has been observed in individual(s) with hereditary breast and/or ovarian cancer (PMID: 28796317, 35039564). ClinVar contains an entry for this variant (Variation ID: 461096). Invitae Evidence Modeling of protein sequence and biophysical properties (such as structural, functional, and spatial information, amino acid conservation, physicochemical variation, residue mobility, and thermodynamic stability) has been performed for this missense variant. However, the output from this modeling did not meet the statistical confidence thresholds required to predict the impact of this variant on BRIP1 protein function. In summary, the available evidence is currently insufficient to determine the role of this variant in disease. Therefore, it has been classified as a Variant of Uncertain Significance.

Ambry Genetics
Classification: Uncertain significance for Hereditary cancer-predisposing syndrome. Last evaluated: 2025-01-19. Review status: criteria provided, single submitter. Criteria: Ambry Variant Classification Scheme 2023. Collection method: clinical testing. Allele origin: germline.
Comment: The p.T711A variant (also known as c.2131A>G), located in coding exon 14 of the BRIP1 gene, results from an A to G substitution at nucleotide position 2131. The threonine at codon 711 is replaced by alanine, an amino acid with similar properties. This alteration was identified in 1/100 Japanese breast cancer patients negative for BRCA1/2 testing (Sato K et al. Cancer Sci., 2017 Nov;108:2287-2294). This amino acid position is highly conserved in available vertebrate species. In addition, the in silico prediction for this alteration is inconclusive. Based on the available evidence, the clinical significance of this variant remains unclear.

Color Diagnostics, LLC DBA Color Health
Classification: Uncertain significance for Hereditary cancer-predisposing syndrome. Last evaluated: 2025-01-07. Review status: criteria provided, single submitter. Criteria: ACMG Guidelines, 2015. Collection method: clinical testing. Allele origin: germline.
Comment: This missense variant replaces threonine with alanine at codon 711 of the BRIP1 protein. Computational prediction is inconclusive regarding the impact of this variant on protein structure and function. To our knowledge, functional studies have not been reported for this variant. This variant has been reported in individuals affected with breast cancer (PMID: 28796317, 33471991, 35039564). This variant has been identified in 1/251168 chromosomes in the general population by the Genome Aggregation Database (gnomAD). The available evidence is insufficient to determine the role of this variant in disease conclusively. Therefore, this variant is classified as a Variant of Uncertain Significance.

Fulgent Genetics
Classification: Uncertain significance for Familial cancer of breast; Fanconi anemia complementation group J. Last evaluated: 2024-01-02. Review status: criteria provided, single submitter. Criteria: ACMG Guidelines, 2015. Collection method: clinical testing. Allele origin: germline.

Women's Health and Genetics/Laboratory Corporation of America, LabCorp
Classification: Uncertain significance. Last evaluated: 2022-04-28. Review status: criteria provided, single submitter. Criteria: LabCorp Variant Classification Summary - May 2015. Collection method: clinical testing. Allele origin: germline.
Comment: Variant summary: BRIP1 c.2131A>G (p.Thr711Ala) results in a non-conservative amino acid change located in the ATP-dependent helicase, C-terminal domain (IPR006555) of the encoded protein sequence. Five of five in-silico tools predict a damaging effect of the variant on protein function. The variant allele was found at a frequency of 4e-06 in 251168 control chromosomes (gnomAD). The available data on variant occurrences in the general population are insufficient to allow any conclusion about variant significance. c.2131A>G has been reported in the literature in individuals affected with Breast Cancer without strong evidence for causality (Sato_2017, Dorling_2021, Eygelaar_2022), and co-occurrences with other pathogenic variants have been seen in our laboratory (APC c.4054_4063delGTTGAATTTT, p.Val1352fsX60; ATM c.2930_2931delGT, p.Cys977fsX6), providing supporting evidence for a benign role. To our knowledge, no experimental evidence demonstrating an impact on protein function has been reported. Six ClinVar submitters have assessed the variant since 2014: all have classified the variant as of uncertain significance. Based on the evidence outlined above, the variant was classified as uncertain significance.

GeneDx
Classification: Uncertain significance. Last evaluated: 2021-10-06. Review status: criteria provided, single submitter. Criteria: GeneDx Variant Classification Process June 2021. Collection method: clinical testing. Allele origin: germline. Affected: yes.
Comment: Not observed at significant frequency in large population cohorts (Lek 2016); In silico analysis supports that this missense variant has a deleterious effect on protein structure/function; Observed in individuals with breast or ovarian cancer (Sato 2017); This variant is associated with the following publications: (PMID: 28796317)

Quest Diagnostics Nichols Institute San Juan Capistrano
Classification: Uncertain significance. Last evaluated: 2020-10-16. Review status: criteria provided, single submitter. Criteria: Quest Diagnostics criteria. Collection method: clinical testing. Allele origin: unknown.

Cancer Genomics Group, Japanese Foundation For Cancer Research
Classification: Uncertain significance for Hereditary breast and ovarian cancer syndrome. Last evaluated: 2019-05-01. Review status: criteria provided, single submitter. Criteria: ACMG Guidelines, 2015. Collection method: research. Allele origin: germline. Affected: yes.

Literature cited by the submitters: PubMed 28796317 (cited by 5 submitters); PubMed 35039564 (cited by 3 submitters); PubMed 33471991 (cited by Color Diagnostics, LLC DBA Color Health and Women's Health and Genetics/Laboratory Corporation of America, LabCorp).

NM_032043.3(BRIP1):c.2131A>G (p.Thr711Ala)

Gene: BRIP1 (BRCA1 interacting DNA helicase 1; minus strand). Cytogenetic location: 17q23.2.
Variant type: single nucleotide variant.
Coding change: c.2131A>G on transcript NM_032043.3 (MANE Select); coding-DNA position 2131, A replaced by G.
Protein change: p.Thr711Ala; replaces threonine 711 with alanine.
Molecular consequence: missense variant.
Genome position (GRCh38, 1-based): chr17:61,744,558, T>C on the plus strand (A>G on the coding strand, the complement: BRIP1 is on the minus strand). VCF-style: chr17-61744558-T-C. GRCh37 (hg19) VCF-style: chr17-59821919-T-C.
Other names: short protein forms T711A.
Identifiers: ClinVar variation 461096 (VCV000461096.30), dbSNP rs760515227, ClinGen allele CA8690583.